The following is an entry in ClinVar:

ClinVar aggregate classification (germline): Uncertain significance. Review status: criteria provided, multiple submitters, no conflicts (2 of 4 stars). 3 submissions from 3 submitters: Uncertain significance (2). 1 of the submissions does not count toward it. Last evaluated 2022-03-10.

Conditions:
Peroxisome biogenesis disorder. Identifiers: Orphanet 79189, MedGen C1832200, MONDO:0019234. Disease mechanism: loss of function.
Zellweger spectrum disorders (ZS). Also called: Zellweger Spectrum Disorder; Zellweger Spectrum; Zellweger Spectrum Disorder (ZSD); Zellweger syndrome. Identifiers: Orphanet 912, MedGen C0043459, MONDO:0019609.

Allele frequency attached by ClinVar (database versions not stated): gnomAD exomes below 0.00001; TOPMed below 0.00001.
gnomAD v4.1: 2 of 1,614,044 alleles (0.00012%); highest among the groups gnomAD compares: Non-Finnish European, 0.00017%; no homozygotes.

Submissions (3):

Labcorp Genetics (formerly Invitae), Labcorp
Classification: Uncertain significance for Peroxisome biogenesis disorder. Last evaluated: 2022-03-10. Review status: criteria provided, single submitter. Criteria: Invitae Variant Classification Sherloc (09022015). Collection method: clinical testing. Allele origin: germline.
Comment: This sequence change replaces asparagine, which is neutral and polar, with aspartic acid, which is acidic and polar, at codon 784 of the PEX6 protein (p.Asn784Asp). This variant is not present in population databases (gnomAD no frequency). This variant has not been reported in the literature in individuals affected with PEX6-related conditions. ClinVar contains an entry for this variant (Variation ID: 593053). Algorithms developed to predict the effect of missense changes on protein structure and function are either unavailable or do not agree on the potential impact of this missense change (SIFT: "Deleterious"; PolyPhen-2: "Probably Damaging"; Align-GVGD: "Class C15"). In summary, the available evidence is currently insufficient to determine the role of this variant in disease. Therefore, it has been classified as a Variant of Uncertain Significance.

Eurofins Ntd Llc (ga)
Classification: Uncertain significance. Last evaluated: 2017-07-05. Review status: criteria provided, single submitter. Criteria: EGL Classification Definitions 2015. Collection method: clinical testing. Allele origin: germline. Observed: 1 variant allele, 1 heterozygote.

Natera, Inc.
Classification: Uncertain significance for Zellweger syndrome. Last evaluated: 2025-04-03. Review status: no assertion criteria provided. Collection method: clinical testing. Allele origin: germline. Not counted in ClinVar's aggregate classification.

NM_000287.4(PEX6):c.2350A>G (p.Asn784Asp)

Gene: PEX6 (peroxisomal biogenesis factor 6; minus strand). Cytogenetic location: 6p21.1.
Variant type: single nucleotide variant.
Coding change: c.2350A>G on transcript NM_000287.4 (MANE Select); coding-DNA position 2350, A replaced by G.
Protein change: p.Asn784Asp; replaces asparagine 784 with aspartic acid.
Molecular consequence: missense variant.
Genome position (GRCh38, 1-based): chr6:42,966,056, T>C on the plus strand (A>G on the coding strand, the complement: PEX6 is on the minus strand). VCF-style: chr6-42966056-T-C. GRCh37 (hg19) VCF-style: chr6-42933794-T-C.
Other names: c.2350A>G (NM_000287.3); c.2086A>G, p.Asn696Asp (NM_001316313.2); short protein forms N784D, N696D.
Identifiers: ClinVar variation 593053 (VCV000593053.9), dbSNP rs929525105, ClinGen allele CA138222784.